The following is an entry in ClinVar:

ClinVar aggregate classification (germline): Uncertain significance. Review status: criteria provided, multiple submitters, no conflicts (2 of 4 stars). 2 submissions from 2 submitters: Uncertain significance (2). Last evaluated 2026-04-14.

Conditions:
PKHD1-related disorder. Also called: PKHD1-related condition.
Autosomal recessive polycystic kidney disease (ARPKD). Also called: AR polycystic kidney disease. Identifiers: Orphanet 731, Orphanet 8378, MedGen C0085548, MeSH D017044, MONDO:0009889.

gnomAD v4.1: 2 of 1,614,112 alleles (0.00012%); highest among the groups gnomAD compares: Non-Finnish European, 0.00017%; no homozygotes.

Submissions (2):

PreventionGenetics, part of Exact Sciences
Classification: Uncertain significance for PKHD1-related condition. Last evaluated: 2026-04-14. Review status: criteria provided, single submitter. Criteria: ACMG Guidelines, 2015. Collection method: clinical testing. Allele origin: germline.
Comment: The PKHD1 c.1085T>G variant is predicted to result in the amino acid substitution p.Phe362Cys. To our knowledge, this variant has not been reported in the literature or in a large population database (gnomAD), indicating this variant is rare. At this time, the clinical significance of this variant is uncertain due to the absence of conclusive functional and genetic evidence.

Labcorp Genetics (formerly Invitae), Labcorp
Classification: Uncertain significance for Autosomal recessive polycystic kidney disease. Last evaluated: 2021-07-19. Review status: criteria provided, single submitter. Criteria: Invitae Variant Classification Sherloc (09022015). Collection method: clinical testing. Allele origin: germline.
Comment: Algorithms developed to predict the effect of sequence changes on RNA splicing suggest that this variant may create or strengthen a splice site. This sequence change replaces phenylalanine with cysteine at codon 362 of the PKHD1 protein (p.Phe362Cys). The phenylalanine residue is weakly conserved and there is a large physicochemical difference between phenylalanine and cysteine. This variant is not present in population databases (ExAC no frequency). This variant has not been reported in the literature in individuals affected with PKHD1-related conditions. Advanced modeling of protein sequence and biophysical properties (such as structural, functional, and spatial information, amino acid conservation, physicochemical variation, residue mobility, and thermodynamic stability) performed at Invitae indicates that this missense variant is not expected to disrupt PKHD1 protein function. In summary, the available evidence is currently insufficient to determine the role of this variant in disease. Therefore, it has been classified as a Variant of Uncertain Significance.

NM_138694.4(PKHD1):c.1085T>G (p.Phe362Cys)

Gene: PKHD1 (PKHD1 ciliary IPT domain containing fibrocystin/polyductin; minus strand). Cytogenetic location: 6p12.2.
Variant type: single nucleotide variant.
Coding change: c.1085T>G on transcript NM_138694.4 (MANE Select); coding-DNA position 1085, T replaced by G.
Protein change: p.Phe362Cys; replaces phenylalanine 362 with cysteine.
Molecular consequence: missense variant.
Genome position (GRCh38, 1-based): chr6:52,062,552, A>C on the plus strand (T>G on the coding strand, the complement: PKHD1 is on the minus strand). VCF-style: chr6-52062552-A-C. GRCh37 (hg19) VCF-style: chr6-51927350-A-C.
Other names: c.1085T>G, p.Phe362Cys (NM_170724.3); c.1085T>G (NM_138694.3); short protein forms F362C.
Identifiers: ClinVar variation 1354383 (VCV001354383.9), dbSNP rs752514286, ClinGen allele CA364428477.